The following is an entry in ClinVar:

ClinVar aggregate classification (germline): Uncertain significance. Review status: criteria provided, multiple submitters, no conflicts (2 of 4 stars). 3 submissions from 3 submitters: Uncertain significance (3). Last evaluated 2023-11-03.

Conditions:
Primary immunodeficiency with natural-killer cell deficiency and adrenal insufficiency (IMD54). Also called: IMMUNODEFICIENCY 54; Natural killer cell and glucocorticoid deficiency with DNA repair defect. Identifiers: Orphanet 75391, MedGen C1864947, MONDO:0012383, OMIM 609981.

Allele frequency attached by ClinVar (database versions not stated): TOPMed 0.00004.
gnomAD v4.1: 29 of 1,614,170 alleles (0.0018%); highest among the groups gnomAD compares: East Asian, 0.053%; no homozygotes.

Submissions (3):

Labcorp Genetics (formerly Invitae), Labcorp
Classification: Uncertain significance. Last evaluated: 2023-11-03. Review status: criteria provided, single submitter. Criteria: Invitae Variant Classification Sherloc (09022015). Collection method: clinical testing. Allele origin: germline.
Comment: This sequence change replaces threonine, which is neutral and polar, with isoleucine, which is neutral and non-polar, at codon 366 of the MCM4 protein (p.Thr366Ile). This variant is present in population databases (rs756135528, gnomAD 0.05%). This variant has not been reported in the literature in individuals affected with MCM4-related conditions. ClinVar contains an entry for this variant (Variation ID: 909012). Advanced modeling of protein sequence and biophysical properties (such as structural, functional, and spatial information, amino acid conservation, physicochemical variation, residue mobility, and thermodynamic stability) performed at Invitae indicates that this missense variant is expected to disrupt MCM4 protein function with a positive predictive value of 80%. In summary, the available evidence is currently insufficient to determine the role of this variant in disease. Therefore, it has been classified as a Variant of Uncertain Significance.

Illumina Laboratory Services, Illumina
Classification: Uncertain significance for Primary immunodeficiency with natural-killer cell deficiency and adrenal insufficiency. Last evaluated: 2018-01-13. Review status: criteria provided, single submitter. Criteria: ICSL Variant Classification Criteria 13 December 2019. Collection method: clinical testing. Allele origin: germline.

Breakthrough Genomics
Classification: Uncertain significance. Review status: criteria provided, single submitter. Criteria: ACMG Guidelines, 2015. Collection method: not provided. Allele origin: germline. Inheritance: Autosomal recessive inheritance. Affected: yes.

NM_182746.3(MCM4):c.1097C>T (p.Thr366Ile)

Gene: MCM4 (minichromosome maintenance complex component 4; plus strand). Cytogenetic location: 8q11.21.
Variant type: single nucleotide variant.
Coding change: c.1097C>T on transcript NM_182746.3 (MANE Select); coding-DNA position 1097, C replaced by T.
Protein change: p.Thr366Ile; replaces threonine 366 with isoleucine.
Molecular consequence: missense variant.
Genome position (GRCh38, 1-based): chr8:47,967,408, C>T. VCF-style: chr8-47967408-C-T. GRCh37 (hg19) VCF-style: chr8-48879968-C-T.
Other names: c.1097C>T, p.Thr366Ile (NM_005914.4); short protein forms T366I.
Identifiers: ClinVar variation 909012 (VCV000909012.8), dbSNP rs756135528, ClinGen allele CA4742522.